The following is an entry in ClinVar:

ClinVar aggregate classification (germline): Likely benign. Review status: criteria provided, multiple submitters, no conflicts (2 of 4 stars). 3 submissions from 3 submitters: Likely benign (3). Last evaluated 2025-02-24.

Conditions:
Hereditary cancer-predisposing syndrome. Also called: Tumor predisposition; Neoplastic Syndromes, Hereditary; Hereditary neoplastic syndrome; Hereditary Cancer Syndrome. Identifiers: Orphanet 140162, MedGen C0027672, MeSH D009386, MONDO:0015356.
Breast-ovarian cancer, familial, susceptibility to, 4. Identifiers: Orphanet 145, MedGen C3280345, MONDO:0013669, OMIM 614291.

Allele frequency attached by ClinVar (database versions not stated): gnomAD exomes below 0.00001.

Submissions (3):

Myriad Genetics, Inc.
Classification: Likely benign for Breast-ovarian cancer, familial, susceptibility to, 4. Last evaluated: 2025-02-24. Review status: criteria provided, single submitter. Criteria: Myriad Autosomal Dominant, Autosomal Recessive and X-Linked Classification Criteria (2023). Collection method: clinical testing. Allele origin: unknown.
Comment: This variant is considered likely benign. This variant is intronic and is not expected to impact mRNA splicing.

Labcorp Genetics (formerly Invitae), Labcorp
Classification: Likely benign for Breast-ovarian cancer, familial, susceptibility to, 4. Last evaluated: 2023-08-17. Review status: criteria provided, single submitter. Criteria: Invitae Variant Classification Sherloc (09022015). Collection method: clinical testing. Allele origin: germline.

Color Diagnostics, LLC DBA Color Health
Classification: Likely benign for Hereditary cancer-predisposing syndrome. Last evaluated: 2018-02-01. Review status: criteria provided, single submitter. Criteria: ACMG Guidelines, 2015. Collection method: clinical testing. Allele origin: germline.

NM_002878.4(RAD51D):c.739-17G>T

Genes: RAD51L3-RFFL (RAD51L3-RFFL readthrough; minus strand), RAD51D (RAD51 paralog D; minus strand). Cytogenetic location: 17q12.
Variant type: single nucleotide variant.
Coding change: c.739-17G>T on transcript NM_002878.4 (MANE Select); 17 bases into the intron before coding-DNA position 739, G replaced by T.
Molecular consequence: intron variant.
Genome position (GRCh38, 1-based): chr17:35,101,382, C>A on the plus strand (G>T on the coding strand, the complement: RAD51D is on the minus strand). VCF-style: chr17-35101382-C-A. GRCh37 (hg19) VCF-style: chr17-33428401-C-A.
Other names: c.799-17G>T (NM_001142571.2); c.403-17G>T (NM_133629.3).
Identifiers: ClinVar variation 631270 (VCV000631270.8), dbSNP rs1567725135, ClinGen allele CA913188788.